The following is an entry in ClinVar:

ClinVar aggregate classification (germline): Uncertain significance (1 of 4 stars; one submission).

Conditions:
Left ventricular noncompaction 8 (LVNC8). Identifiers: Orphanet 154, Orphanet 54260, MedGen C3809288, MONDO:0014152, OMIM 615373.

Allele frequency attached by ClinVar (database versions not stated): gnomAD exomes below 0.00001; TOPMed below 0.00001; gnomAD 0.00001.
gnomAD v4.1: 3 of 1,613,924 alleles (0.00019%); highest among the groups gnomAD compares: Admixed American, 0.005%; no homozygotes.

Submission:

Labcorp Genetics (formerly Invitae), Labcorp
Classification: Uncertain significance for Left ventricular noncompaction 8. Last evaluated: 2022-04-30. Review status: criteria provided, single submitter. Criteria: Invitae Variant Classification Sherloc (09022015). Collection method: clinical testing. Allele origin: germline.
Comment: In summary, the available evidence is currently insufficient to determine the role of this variant in disease. Therefore, it has been classified as a Variant of Uncertain Significance. Algorithms developed to predict the effect of missense changes on protein structure and function output the following: SIFT: "Deleterious"; PolyPhen-2: "Benign"; Align-GVGD: "Class C15". The leucine amino acid residue is found in multiple mammalian species, which suggests that this missense change does not adversely affect protein function. This variant has not been reported in the literature in individuals affected with PRDM16-related conditions. This variant is present in population databases (no rsID available, gnomAD 0.006%). This sequence change replaces phenylalanine, which is neutral and non-polar, with leucine, which is neutral and non-polar, at codon 1206 of the PRDM16 protein (p.Phe1206Leu).

NM_022114.4(PRDM16):c.3616T>C (p.Phe1206Leu)

Gene: PRDM16 (PR/SET domain 16; plus strand). Cytogenetic location: 1p36.32.
Variant type: single nucleotide variant.
Coding change: c.3616T>C on transcript NM_022114.4 (MANE Select); coding-DNA position 3616, T replaced by C.
Protein change: p.Phe1206Leu; replaces phenylalanine 1206 with leucine.
Molecular consequence: missense variant.
Genome position (GRCh38, 1-based): chr1:3,432,060, T>C. VCF-style: chr1-3432060-T-C. GRCh37 (hg19) VCF-style: chr1-3348624-T-C.
Other names: c.3616T>C, p.Phe1206Leu (NM_199454.3); short protein forms F1206L.
Identifiers: ClinVar variation 1968966 (VCV001968966.5), dbSNP rs1446926243, ClinGen allele CA338004655.